The following is an entry in ClinVar:

NM_016373.4(WWOX):c.*269G>A

Genes: MAF (MAF bZIP transcription factor; minus strand), WWOX (WW domain containing oxidoreductase; plus strand). Cytogenetic location: 16q23.2.
Variant type: single nucleotide variant.
Coding change: c.*269G>A on transcript NM_016373.4 (MANE Select); 269 bases downstream of the stop codon, G replaced by A.
Molecular consequence: 3 prime UTR variant.
Genome position (GRCh38, 1-based): chr16:79,212,065, G>A. VCF-style: chr16-79212065-G-A. GRCh37 (hg19) VCF-style: chr16-79245962-G-A.
Other names: c.*269G>A (NM_001291997.2).
Identifiers: ClinVar variation 3389141 (VCV003389141.14).
Genomic context (GRCh38, chr16:79,212,065, plus strand): 5'-TAGGCATAGGTCTCTTTGCTTTCTGGTGGTGGCCTGTTTGAAAGTAAAAACCTGCTTGGT[G>A]TGTAGGTTCCGTATCTCCCTGGAGAAGCACCAGCAATTCTCTTTCTTTTACTGTTATAGA-3'

ClinVar aggregate classification (germline): Likely benign (1 of 4 stars; one submission).

gnomAD v4.1: 74 of 1,536,354 alleles (0.0048%); highest among the groups gnomAD compares: Non-Finnish European, 0.0049%; no homozygotes.

Submission:

CeGaT Center for Human Genetics Tuebingen
Classification: Likely benign. Last evaluated: 2024-09-01. Review status: criteria provided, single submitter. Criteria: CeGaT Center For Human Genetics Tuebingen Variant Classification Criteria Version 2. Collection method: clinical testing. Allele origin: germline. Affected: yes. Observed: 1 variant allele.
Comment: WWOX: BP4, BP7